The following is an entry in ClinVar:

NM_003123.6(SPN):c.65C>T (p.Thr22Ile)

Gene: SPN (sialophorin; plus strand). Cytogenetic location: 16p11.2.
Variant type: single nucleotide variant.
Coding change: c.65C>T on transcript NM_003123.6 (MANE Select); coding-DNA position 65, C replaced by T.
Protein change: p.Thr22Ile; replaces threonine 22 with isoleucine.
Molecular consequence: missense variant.
Genome position (GRCh38, 1-based): chr16:29,663,793, C>T. VCF-style: chr16-29663793-C-T. GRCh37 (hg19) VCF-style: chr16-29675114-C-T.
Other names: c.65C>T, p.Thr22Ile (NM_001030288.4); short protein forms T22I.
Identifiers: ClinVar variation 717407 (VCV000717407.6), dbSNP rs2229653, ClinGen allele CA7992108.

ClinVar aggregate classification (germline): Benign. Review status: criteria provided, multiple submitters, no conflicts (2 of 4 stars). 3 submissions from 3 submitters: Benign (2). 1 of the submissions does not count toward it. Last evaluated 2018-07-13.

Conditions:
SPN-related disorder. Also called: SPN-related condition.

Allele frequency attached by ClinVar (database versions not stated): gnomAD exomes 0.00561; ExAC 0.00687; gnomAD 0.02154 and 0.02327; TOPMed 0.02494; ESP Exome Variant Server 0.02547; 1000 Genomes Project 0.02596; 1000 Genomes Project 30x 0.02748.

Submissions (3):

Labcorp Genetics (formerly Invitae), Labcorp
Classification: Benign. Last evaluated: 2018-07-13. Review status: criteria provided, single submitter. Criteria: Invitae Variant Classification Sherloc (09022015). Collection method: clinical testing. Allele origin: germline.

Breakthrough Genomics
Classification: Benign. Review status: criteria provided, single submitter. Criteria: ACMG Guidelines, 2015. Collection method: not provided. Allele origin: germline. Inheritance: Unknown mechanism. Affected: yes.

PreventionGenetics, part of Exact Sciences
Classification: Benign for SPN-related condition. Last evaluated: 2020-03-03. Review status: no assertion criteria provided. Collection method: clinical testing. Allele origin: germline. Not counted in ClinVar's aggregate classification.
Comment: This variant is classified as benign based on ACMG/AMP sequence variant interpretation guidelines (Richards et al. 2015 PMID: 25741868, with internal and published modifications).